The following is an entry in ClinVar:

ClinVar aggregate classification (germline): Benign/Likely benign. Review status: criteria provided, multiple submitters, no conflicts (2 of 4 stars). 10 submissions from 10 submitters: Benign (1); Likely benign (7). 2 of the submissions do not count toward it. Last evaluated 2026-02-01.

Conditions:
RAD51D-related disorder. Also called: RAD51D-related condition.
Hereditary cancer-predisposing syndrome. Also called: Tumor predisposition; Hereditary neoplastic syndrome; Hereditary Cancer Syndrome; Neoplastic Syndromes, Hereditary. Identifiers: Orphanet 140162, MedGen C0027672, MeSH D009386, MONDO:0015356.
Breast-ovarian cancer, familial, susceptibility to, 4. Identifiers: Orphanet 145, MedGen C3280345, MONDO:0013669, OMIM 614291.

Allele frequency attached by ClinVar (database versions not stated): 1000 Genomes Project 30x 0.00016; ESP Exome Variant Server 0.00019; 1000 Genomes Project 0.00020; gnomAD 0.00023 and 0.00024; gnomAD exomes 0.00025 and 0.00038; TOPMed 0.00027; ExAC 0.00067.

Submissions (10):

CeGaT Center for Human Genetics Tuebingen
Classification: Likely benign. Last evaluated: 2026-02-01. Review status: criteria provided, single submitter. Criteria: CeGaT Center For Human Genetics Tuebingen Variant Classification Criteria Version 2. Collection method: clinical testing. Allele origin: germline. Affected: yes. Observed: 4 variant alleles.
Comment: RAD51D: BP4, BS1

Dasa
Classification: Likely benign. Last evaluated: 2025-01-25. Review status: criteria provided, single submitter. Criteria: DASA Assertion Criteria. Collection method: clinical testing. Allele origin: germline.
Comment: NM_001142571.2(RAD51D):c.286G>A (p.Ala96Thr) is a missense variant that results in the substitution of alanine with threonine. Population frequency is inconsistent with a disease-causing role for this variant. Computational prediction algorithms are consistent with a benign effect. Therefore, based on the currently available evidence, this variant is classified as likely benign.

Blueprint Genetics
Classification: Likely benign. Last evaluated: 2024-11-26. Review status: criteria provided, single submitter. Criteria: ACMG Guidelines, 2015. Collection method: clinical testing. Allele origin: germline.

ARUP Laboratories, Molecular Genetics and Genomics, ARUP Laboratories
Classification: Likely benign for Breast-ovarian cancer, familial, susceptibility to, 4. Last evaluated: 2021-04-02. Review status: criteria provided, single submitter. Criteria: ARUP Molecular Germline Variant Investigation Process 2021. Collection method: clinical testing. Allele origin: germline.

Mendelics
Classification: Likely benign for Breast-ovarian cancer, familial, susceptibility to, 4. Last evaluated: 2019-05-28. Review status: criteria provided, single submitter. Criteria: Mendelics Assertion Criteria 2017. Collection method: clinical testing. Allele origin: unknown.

Color Diagnostics, LLC DBA Color Health
Classification: Likely benign for Hereditary cancer-predisposing syndrome. Last evaluated: 2015-06-15. Review status: criteria provided, single submitter. Criteria: ACMG Guidelines, 2015. Collection method: clinical testing. Allele origin: germline.

GeneDx
Classification: Benign. Last evaluated: 2014-02-21. Review status: criteria provided, single submitter. Criteria: GeneDx Variant Classification (06012015). Collection method: clinical testing. Allele origin: germline. Affected: yes.
Comment: This variant is considered likely benign or benign based on one or more of the following criteria: it is a conservative change, it occurs at a poorly conserved position in the protein, it is predicted to be benign by multiple in silico algorithms, and/or has population frequency not consistent with disease.

Breakthrough Genomics
Classification: Likely benign. Review status: criteria provided, single submitter. Criteria: ACMG Guidelines, 2015. Collection method: not provided. Allele origin: germline. Inheritance: Unknown mechanism. Affected: yes.

PreventionGenetics, part of Exact Sciences
Classification: Likely benign for RAD51D-related condition. Last evaluated: 2022-11-10. Review status: no assertion criteria provided. Collection method: clinical testing. Allele origin: germline. Not counted in ClinVar's aggregate classification.
Comment: This variant is classified as likely benign based on ACMG/AMP sequence variant interpretation guidelines (Richards et al. 2015 PMID: 25741868, with internal and published modifications).

Counsyl
Classification: Likely benign for Breast-ovarian cancer, familial, susceptibility to, 4. Last evaluated: 2016-10-19. Review status: no assertion criteria provided. Collection method: clinical testing. Allele origin: unknown. Not counted in ClinVar's aggregate classification.

NM_002878.4(RAD51D):c.263+1605G>A

Genes: RAD51D (RAD51 paralog D; minus strand), RAD51L3-RFFL (RAD51L3-RFFL readthrough; minus strand). Cytogenetic location: 17q12.
Variant type: single nucleotide variant.
Coding change: c.263+1605G>A on transcript NM_002878.4 (MANE Select); 1605 bases into the intron after coding-DNA position 263, G replaced by A.
Molecular consequence: intron variant. On other transcripts: missense variant (1).
Genome position (GRCh38, 1-based): chr17:35,116,896, C>T on the plus strand (G>A on the coding strand, the complement: RAD51D is on the minus strand). VCF-style: chr17-35116896-C-T. GRCh37 (hg19) VCF-style: chr17-33443915-C-T.
Other names: p.A96T:GCT>ACT; c.286G>A, p.Ala96Thr (NM_001142571.2); c.144+2215G>A (NM_133629.3); short protein forms A96T.
Identifiers: ClinVar variation 138880 (VCV000138880.37), dbSNP rs147933658, ClinGen allele CA293043.